The following is an entry in ClinVar:

NM_024675.4(PALB2):c.3041_3042del (p.Leu1014fs)

Gene: PALB2 (partner and localizer of BRCA2; minus strand). Cytogenetic location: 16p12.2.
Variant type: Deletion.
Coding change: c.3041_3042del on transcript NM_024675.4 (MANE Select); coding-DNA positions 3041 to 3042, 2 bases deleted (TA; older notation c.3041_3042delTA).
Protein change: p.Leu1014fs; shifts the reading frame from leucine 1014.
Molecular consequence: frameshift variant.
Genome position (GRCh38, 1-based): chr16:23,621,433-23,621,434, TA deleted on the plus strand (TA on the coding strand, the reverse complement: PALB2 is on the minus strand). VCF-style (leftmost placement, unchanged base first): chr16-23621432-TTA-T. GRCh37 (hg19) VCF-style: chr16-23632753-TTA-T.
Other names: c.3041_3042delTA (NM_024675.3); short protein forms L1014fs.
Identifiers: ClinVar variation 265584 (VCV000265584.3), dbSNP rs886039645, ClinGen allele CA10588603.

ClinVar aggregate classification (germline): Pathogenic/Likely pathogenic. Review status: criteria provided, multiple submitters, no conflicts (2 of 4 stars). 2 submissions from 2 submitters: Pathogenic (1); Likely pathogenic (1). Last evaluated 2025-06-25.

Conditions:
Hereditary cancer-predisposing syndrome. Also called: Neoplastic Syndromes, Hereditary; Hereditary neoplastic syndrome; Hereditary Cancer Syndrome; Tumor predisposition. Identifiers: Orphanet 140162, MedGen C0027672, MeSH D009386, MONDO:0015356.

Submissions (2):

Ambry Genetics
Classification: Pathogenic for Hereditary cancer-predisposing syndrome. Last evaluated: 2025-06-25. Review status: criteria provided, single submitter. Criteria: Ambry Variant Classification Scheme 2023. Collection method: clinical testing. Allele origin: germline.
Comment: The c.3041_3042delTA pathogenic mutation, located in coding exon 10 of the PALB2 gene, results from a deletion of two nucleotides at nucleotide positions 3041 to 3042, causing a translational frameshift with a predicted alternate stop codon (p.L1014Hfs*4). This variant is considered to be rare based on population cohorts in the Genome Aggregation Database (gnomAD). This alteration is expected to result in loss of function by premature protein truncation or nonsense-mediated mRNA decay. As such, this alteration is interpreted as a disease-causing mutation.

GeneDx
Classification: Likely pathogenic. Last evaluated: 2016-05-23. Review status: criteria provided, single submitter. Criteria: GeneDx Variant Classification (06012015). Collection method: clinical testing. Allele origin: germline. Affected: yes.
Comment: This deletion of 2 nucleotides in PALB2 is denoted c.3041_3042delTA at the cDNA level and p.Leu1014HisfsX4 (L1014HfsX4) at the protein level. The normal sequence, with the bases that are deleted in braces, is ATAC[TA]ACTT. The deletion causes a frameshift which changes a Leucine to a Histidine at codon 1014, and creates a premature stop codon at position 4 of the new reading frame. Although this variant has not, to our knowledge, been reported in the literature, it is predicted to cause loss of normal protein function through either protein truncation or nonsense-mediated mRNA decay. Based on the currently available information, we consider this deletion to be a likely pathogenic variant.